The following is an entry in ClinVar:

NM_001366521.1(ATP2B1):c.582C>G (p.Phe194Leu)

Gene: ATP2B1 (ATPase plasma membrane Ca2+ transporting 1; minus strand). Cytogenetic location: 12q21.33.
Variant type: single nucleotide variant.
Coding change: c.582C>G on transcript NM_001366521.1 (MANE Select); coding-DNA position 582, C replaced by G.
Protein change: p.Phe194Leu; replaces phenylalanine 194 with leucine.
Molecular consequence: missense variant. On other transcripts: non-coding transcript variant (3), intron variant (7).
Genome position (GRCh38, 1-based): chr12:89,635,076, G>C on the plus strand (C>G on the coding strand, the complement: ATP2B1 is on the minus strand). VCF-style: chr12-89635076-G-C. GRCh37 (hg19) VCF-style: chr12-90028853-G-C.
Other names: c.582C>G, p.Phe194Leu (NM_001001323.2, NM_001366520.1, NM_001366522.1 and 17 more transcripts); c.384C>G, p.Phe128Leu (NM_001366530.1, NM_001413053.1); c.406+7082C>G (NM_001413060.1, NM_001366531.1, NM_001413058.1 and 2 more transcripts); c.407-173C>G (NM_001413056.1); c.209-173C>G (NM_001413057.1); short protein forms F128L, F194L.
Identifiers: ClinVar variation 5020342 (VCV005020342.1).

ClinVar aggregate classification (germline): Uncertain significance (1 of 4 stars; one submission).

gnomAD v4.1: 1 of 1,613,820 alleles (0.000062%); highest among the groups gnomAD compares: African/African-American, 0.0013%; no homozygotes.

Submission:

Dasa
Classification: Uncertain significance. Last evaluated: 2026-06-19. Review status: criteria provided, single submitter. Criteria: DASA Assertion Criteria. Collection method: clinical testing. Allele origin: germline.
Comment: NM_001366521.1(ATP2B1):c.582C>G (p.Phe194Leu) is a missense variant that results in the substitution of phenylalanine with leucine. This variant is rare in population databases. Computational prediction algorithms are consistent with a deleterious effect. The currently available literature and clinical evidence are not sufficient to establish a definitive association between this variant and the reported condition. Therefore, this variant is classified as a variant of uncertain significance.